The following is an entry in ClinVar:

NM_001205254.2(OCLN):c.394A>G (p.Thr132Ala)

Gene: OCLN (occludin; plus strand). Cytogenetic location: 5q13.2.
Variant type: single nucleotide variant.
Coding change: c.394A>G on transcript NM_001205254.2 (MANE Select); coding-DNA position 394, A replaced by G.
Protein change: p.Thr132Ala; replaces threonine 132 with alanine.
Molecular consequence: missense variant. On other transcripts: intron variant (1).
Genome position (GRCh38, 1-based): chr5:69,509,484, A>G. VCF-style: chr5-69509484-A-G. GRCh37 (hg19) VCF-style: chr5-68805311-A-G.
Other names: c.394A>G, p.Thr132Ala (NM_001410743.1, NM_001438048.1, NM_001438604.1 and 1 more transcripts); c.-24-4464A>G (NM_001205255.2); short protein forms T132A.
Identifiers: ClinVar variation 2040861 (VCV002040861.1), dbSNP rs774332591, ClinGen allele CA3294433.

ClinVar aggregate classification (germline): Uncertain significance (1 of 4 stars; one submission).

Allele frequency attached by ClinVar (database versions not stated): TOPMed 0.00003; gnomAD exomes 0.00004; ExAC 0.00012.
gnomAD v4.1: 26 of 1,614,194 alleles (0.0016%); highest among the groups gnomAD compares: Admixed American, 0.043%; no homozygotes.

Submission:

Labcorp Genetics (formerly Invitae), Labcorp
Classification: Uncertain significance. Last evaluated: 2022-07-06. Review status: criteria provided, single submitter. Criteria: Invitae Variant Classification Sherloc (09022015). Collection method: clinical testing. Allele origin: germline.
Comment: This sequence change replaces threonine, which is neutral and polar, with alanine, which is neutral and non-polar, at codon 132 of the OCLN protein (p.Thr132Ala). This variant is present in population databases (rs774332591, gnomAD 0.07%). This variant has not been reported in the literature in individuals affected with OCLN-related conditions. Algorithms developed to predict the effect of missense changes on protein structure and function are either unavailable or do not agree on the potential impact of this missense change (SIFT: "Tolerated"; PolyPhen-2: "Possibly Damaging"; Align-GVGD: "Class C0"). In summary, the available evidence is currently insufficient to determine the role of this variant in disease. Therefore, it has been classified as a Variant of Uncertain Significance.